The following is an entry in ClinVar:

ClinVar aggregate classification (germline): Uncertain significance (1 of 4 stars; one submission).

Allele frequency attached by ClinVar (database versions not stated): gnomAD 0.00001; gnomAD exomes 0.00001; TOPMed 0.00001.

Submission:

Labcorp Genetics (formerly Invitae), Labcorp
Classification: Uncertain significance. Last evaluated: 2025-05-08. Review status: criteria provided, single submitter. Criteria: Invitae Variant Classification Sherloc (09022015). Collection method: clinical testing. Allele origin: germline.
Comment: This sequence change replaces arginine, which is basic and polar, with tryptophan, which is neutral and slightly polar, at codon 245 of the OPN1SW protein (p.Arg245Trp). This variant is present in population databases (rs771117831, gnomAD 0.01%). This variant has not been reported in the literature in individuals affected with OPN1SW-related conditions. ClinVar contains an entry for this variant (Variation ID: 1046368). An algorithm developed to predict the effect of missense changes on protein structure and function (PolyPhen-2) suggests that this variant is likely to be disruptive. In summary, the available evidence is currently insufficient to determine the role of this variant in disease. Therefore, it has been classified as a Variant of Uncertain Significance.

NM_001385125.1(OPN1SW):c.724C>T (p.Arg242Trp)

Gene: OPN1SW (opsin 1, short wave sensitive; minus strand). Cytogenetic location: 7q32.1.
Variant type: single nucleotide variant.
Coding change: c.724C>T on transcript NM_001385125.1 (MANE Select); coding-DNA position 724, C replaced by T.
Protein change: p.Arg242Trp; replaces arginine 242 with tryptophan.
Molecular consequence: missense variant.
Genome position (GRCh38, 1-based): chr7:128,773,843, G>A on the plus strand (C>T on the coding strand, the complement: OPN1SW is on the minus strand). VCF-style: chr7-128773843-G-A. GRCh37 (hg19) VCF-style: chr7-128413897-G-A.
Other names: short protein forms R242W.
Identifiers: ClinVar variation 1046368 (VCV001046368.8), dbSNP rs771117831, ClinGen allele CA166211020.
Genomic context (GRCh38, chr7:128,773,843, plus strand): 5'-AGGGCACGTAGCAGACACAGAAGGATCCTACCATCACAACCACCATGCGGCTCACCTCCC[G>A]TTCAGCCTTCTGGGTCGTAGCTGACTCCTGCTGCTGAGCTGCAACCTGGGGTGGAGCACG-3'
Protein context (NP_001372054.1, residues 232-252): QESATTQKAE[Arg242Trp]EVSRMVVVMV